The following is an entry in ClinVar:

ClinVar aggregate classification (germline): Uncertain significance. Review status: criteria provided, multiple submitters, no conflicts (2 of 4 stars). 2 submissions from 2 submitters: Uncertain significance (2). Last evaluated 2023-03-14.

Conditions:
Heterotaxy, visceral, 4, autosomal (HTX4). Identifiers: Orphanet 450, MedGen C3151057, MONDO:0013403, OMIM 613751.

Allele frequency attached by ClinVar (database versions not stated): gnomAD 0.00001; gnomAD exomes 0.00001.
gnomAD v4.1: 9 of 1,612,004 alleles (0.00056%); highest among the groups gnomAD compares: Non-Finnish European, 0.00076%; no homozygotes.

Submissions (2):

Ambry Genetics
Classification: Uncertain significance. Last evaluated: 2023-03-14. Review status: criteria provided, single submitter. Criteria: Ambry Variant Classification Scheme 2023. Collection method: clinical testing. Allele origin: germline.

Labcorp Genetics (formerly Invitae), Labcorp
Classification: Uncertain significance for Heterotaxy, visceral, 4, autosomal. Last evaluated: 2022-07-30. Review status: criteria provided, single submitter. Criteria: Invitae Variant Classification Sherloc (09022015). Collection method: clinical testing. Allele origin: germline.
Comment: In summary, the available evidence is currently insufficient to determine the role of this variant in disease. Therefore, it has been classified as a Variant of Uncertain Significance. This sequence change replaces leucine, which is neutral and non-polar, with valine, which is neutral and non-polar, at codon 396 of the ACVR2B protein (p.Leu396Val). This variant is not present in population databases (gnomAD no frequency). This variant has not been reported in the literature in individuals affected with ACVR2B-related conditions. Algorithms developed to predict the effect of missense changes on protein structure and function are either unavailable or do not agree on the potential impact of this missense change (SIFT: "Deleterious"; PolyPhen-2: "Benign"; Align-GVGD: "Class C0").

NM_001106.4(ACVR2B):c.1186C>G (p.Leu396Val)

Gene: ACVR2B (activin A receptor type 2B; plus strand). Cytogenetic location: 3p22.2.
Variant type: single nucleotide variant.
Coding change: c.1186C>G on transcript NM_001106.4 (MANE Select); coding-DNA position 1186, C replaced by G.
Protein change: p.Leu396Val; replaces leucine 396 with valine.
Molecular consequence: missense variant.
Genome position (GRCh38, 1-based): chr3:38,482,309, C>G. VCF-style: chr3-38482309-C-G. GRCh37 (hg19) VCF-style: chr3-38523800-C-G.
Other names: c.1186C>G (NM_001106.3); short protein forms L396V.
Identifiers: ClinVar variation 2066972 (VCV002066972.6), dbSNP rs1710030847, ClinGen allele CA352134637.